The following is an entry in ClinVar:

NM_002047.4(GARS1):c.325-2A>G

Gene: GARS1 (glycyl-tRNA synthetase 1; plus strand). Cytogenetic location: 7p14.3.
Variant type: single nucleotide variant.
Coding change: c.325-2A>G on transcript NM_002047.4 (MANE Select); the canonical splice acceptor site of the intron before coding-DNA position 325, A replaced by G.
Molecular consequence: splice acceptor variant.
Genome position (GRCh38, 1-based): chr7:30,599,945, A>G. VCF-style: chr7-30599945-A-G. GRCh37 (hg19) VCF-style: chr7-30639561-A-G.
Other names: c.163-2A>G (NM_001316772.1).
Identifiers: ClinVar variation 2908504 (VCV002908504.3), dbSNP rs774969036, ClinGen allele CA4205681.

ClinVar aggregate classification (germline): Uncertain significance (1 of 4 stars; one submission).

Conditions:
Charcot-Marie-Tooth disease type 2. Also called: Charcot-Marie-Tooth type 2. Identifiers: Orphanet 64746, MedGen C0270914, MONDO:0018993.

Allele frequency attached by ClinVar (database versions not stated): gnomAD exomes below 0.00001; ExAC 0.00001.
gnomAD v4.1: 2 of 1,608,428 alleles (0.00012%); no homozygotes.

Submission:

Labcorp Genetics (formerly Invitae), Labcorp
Classification: Uncertain significance for Charcot-Marie-Tooth disease type 2. Last evaluated: 2024-10-09. Review status: criteria provided, single submitter. Criteria: Invitae Variant Classification Sherloc (09022015). Collection method: clinical testing. Allele origin: germline.
Comment: This sequence change affects an acceptor splice site in intron 2 of the GARS gene. It is expected to disrupt RNA splicing. Variants that disrupt the donor or acceptor splice site typically lead to a loss of protein function (PMID: 16199547), however the current clinical and genetic evidence is not sufficient to establish whether loss-of-function variants in GARS cause disease. This variant is present in population databases (rs774969036, gnomAD 0.02%). Disruption of this splice site has been observed in individual(s) with Charcot-Marie-Tooth disease (PMID: 32376792). Algorithms developed to predict the effect of sequence changes on RNA splicing suggest that this variant may disrupt the consensus splice site. In summary, the available evidence is currently insufficient to determine the role of this variant in disease. Therefore, it has been classified as a Variant of Uncertain Significance.

Literature cited by the submitters: PubMed 16199547; PubMed 32376792.